The following is an entry in ClinVar:

ClinVar aggregate classification (germline): Uncertain significance (1 of 4 stars; one submission).

Conditions:
Nemaline myopathy 2 (NEM2). Also called: Nemaline myopathy 2, autosomal recessive. Identifiers: MedGen C1850569, MONDO:0009725, OMIM 256030.

Submission:

Labcorp Genetics (formerly Invitae), Labcorp
Classification: Uncertain significance for Nemaline myopathy 2. Last evaluated: 2024-05-15. Review status: criteria provided, single submitter. Criteria: Invitae Variant Classification Sherloc (09022015). Collection method: clinical testing. Allele origin: germline.
Comment: This sequence change replaces valine, which is neutral and non-polar, with leucine, which is neutral and non-polar, at codon 2403 of the NEB protein (p.Val2403Leu). This variant is not present in population databases (gnomAD no frequency). This variant has not been reported in the literature in individuals affected with NEB-related conditions. Experimental studies and prediction algorithms are not available or were not evaluated, and the functional significance of this variant is currently unknown. In summary, the available evidence is currently insufficient to determine the role of this variant in disease. Therefore, it has been classified as a Variant of Uncertain Significance.

NM_001164508.2(NEB):c.7207G>C (p.Val2403Leu)

Gene: NEB (nebulin; minus strand). Cytogenetic location: 2q23.3.
Variant type: single nucleotide variant.
Coding change: c.7207G>C on transcript NM_001164508.2 (MANE Select); coding-DNA position 7207, G replaced by C.
Protein change: p.Val2403Leu; replaces valine 2403 with leucine.
Molecular consequence: missense variant.
Genome position (GRCh38, 1-based): chr2:151,650,594, C>G on the plus strand (G>C on the coding strand, the complement: NEB is on the minus strand). VCF-style: chr2-151650594-C-G. GRCh37 (hg19) VCF-style: chr2-152507108-C-G.
Other names: c.7207G>C, p.Val2403Leu (NM_001164507.2, NM_001271208.2, NM_004543.5); short protein forms V2403L.
Identifiers: ClinVar variation 2712273 (VCV002712273.3), dbSNP rs2099019975, ClinGen allele CA348789204.